The following is an entry in ClinVar:

ClinVar aggregate classification (germline): Uncertain significance (1 of 4 stars; one submission).

Conditions:
Epileptic encephalopathy. Identifiers: MedGen C0543888, HP:0200134.

Allele frequency attached by ClinVar (database versions not stated): gnomAD exomes below 0.00001; ExAC 0.00001; gnomAD 0.00001; TOPMed 0.00001; ESP Exome Variant Server 0.00008.
gnomAD v4.1: 6 of 1,612,990 alleles (0.00037%); highest among the groups gnomAD compares: African/African-American, 0.0013%; no homozygotes.

Submission:

Labcorp Genetics (formerly Invitae), Labcorp
Classification: Uncertain significance for Epileptic encephalopathy. Last evaluated: 2025-10-22. Review status: criteria provided, single submitter. Criteria: Invitae Variant Classification Sherloc (09022015). Collection method: clinical testing. Allele origin: germline.
Comment: This sequence change replaces glutamic acid, which is acidic and polar, with glutamine, which is neutral and polar, at codon 341 of the GABBR2 protein (p.Glu341Gln). This variant is present in population databases (rs370102532, gnomAD 0.002%). This variant has not been reported in the literature in individuals affected with GABBR2-related conditions. ClinVar contains an entry for this variant (Variation ID: 1041087). Invitae Evidence Modeling of protein sequence and biophysical properties (such as structural, functional, and spatial information, amino acid conservation, physicochemical variation, residue mobility, and thermodynamic stability) indicates that this missense variant is not expected to disrupt GABBR2 protein function with a negative predictive value of 80%. In summary, the available evidence is currently insufficient to determine the role of this variant in disease. Therefore, it has been classified as a Variant of Uncertain Significance.

NM_005458.8(GABBR2):c.1021G>C (p.Glu341Gln)

Gene: GABBR2 (gamma-aminobutyric acid type B receptor subunit 2; minus strand). Cytogenetic location: 9q22.33.
Variant type: single nucleotide variant.
Coding change: c.1021G>C on transcript NM_005458.8 (MANE Select); coding-DNA position 1021, G replaced by C.
Protein change: p.Glu341Gln; replaces glutamic acid 341 with glutamine.
Molecular consequence: missense variant.
Genome position (GRCh38, 1-based): chr9:98,454,196, C>G on the plus strand (G>C on the coding strand, the complement: GABBR2 is on the minus strand). VCF-style: chr9-98454196-C-G. GRCh37 (hg19) VCF-style: chr9-101216478-C-G.
Other names: short protein forms E341Q.
Identifiers: ClinVar variation 1041087 (VCV001041087.8), dbSNP rs370102532, ClinGen allele CA5152817.